The following is an entry in ClinVar:

NM_001286445.3(RIPOR2):c.1369A>G (p.Met457Val)

Gene: RIPOR2 (RHO family interacting cell polarization regulator 2; minus strand). Cytogenetic location: 6p22.3.
Variant type: single nucleotide variant.
Coding change: c.1369A>G on transcript NM_001286445.3 (MANE Select); coding-DNA position 1369, A replaced by G.
Protein change: p.Met457Val; replaces methionine 457 with valine.
Molecular consequence: missense variant.
Genome position (GRCh38, 1-based): chr6:24,843,350, T>C on the plus strand (A>G on the coding strand, the complement: RIPOR2 is on the minus strand). VCF-style: chr6-24843350-T-C. GRCh37 (hg19) VCF-style: chr6-24843578-T-C.
Other names: c.1384A>G, p.Met462Val (NM_001286446.3); c.1282A>G, p.Met428Val (NM_001286447.2, NM_001346031.2, NM_001346032.2 and 1 more transcripts); c.1432A>G, p.Met478Val (NM_014722.5); short protein forms M428V, M457V, M462V, M478V.
Identifiers: ClinVar variation 2988634 (VCV002988634.8), dbSNP rs771127374, ClinGen allele CA3659263.

ClinVar aggregate classification (germline): Conflicting classifications of pathogenicity. Review status: criteria provided, conflicting classifications (1 of 4 stars). 3 submissions from 3 submitters: Uncertain significance (2); Likely benign (1). Last evaluated 2026-03-01.

Allele frequency attached by ClinVar (database versions not stated): gnomAD exomes 0.00001; ExAC 0.00003; gnomAD 0.00008; TOPMed 0.00011.
gnomAD v4.1: 24 of 1,613,846 alleles (0.0015%); highest among the groups gnomAD compares: African/African-American, 0.024%; no homozygotes.

Submissions (3):

CeGaT Center for Human Genetics Tuebingen
Classification: Likely benign. Last evaluated: 2026-03-01. Review status: criteria provided, single submitter. Criteria: CeGaT Center For Human Genetics Tuebingen Variant Classification Criteria Version 2. Collection method: clinical testing. Allele origin: germline. Affected: yes. Observed: 1 variant allele.
Comment: RIPOR2: BP4

Labcorp Genetics (formerly Invitae), Labcorp
Classification: Uncertain significance. Last evaluated: 2024-01-01. Review status: criteria provided, single submitter. Criteria: Invitae Variant Classification Sherloc (09022015). Collection method: clinical testing. Allele origin: germline.
Comment: This sequence change replaces methionine, which is neutral and non-polar, with valine, which is neutral and non-polar, at codon 478 of the FAM65B protein (p.Met478Val). This variant is present in population databases (rs771127374, gnomAD 0.03%). This variant has not been reported in the literature in individuals affected with FAM65B-related conditions. An algorithm developed to predict the effect of missense changes on protein structure and function (PolyPhen-2) suggests that this variant is likely to be tolerated. In summary, the available evidence is currently insufficient to determine the role of this variant in disease. Therefore, it has been classified as a Variant of Uncertain Significance.

Ambry Genetics
Classification: Uncertain significance. Last evaluated: 2023-12-21. Review status: criteria provided, single submitter. Criteria: Ambry Variant Classification Scheme 2023. Collection method: clinical testing. Allele origin: germline.